The following is an entry in ClinVar:

ClinVar aggregate classification (germline): Benign (1 of 4 stars; one submission).

Allele frequency attached by ClinVar (database versions not stated): ExAC 0.00073; 1000 Genomes Project 30x 0.00109; 1000 Genomes Project 0.00120; gnomAD 0.00149; TOPMed 0.00174; ESP Exome Variant Server 0.00185.
gnomAD v4.1: 416 of 1,494,838 alleles (0.028%); highest among the groups gnomAD compares: African/African-American, 0.53%; 1 homozygote.

Submission:

CeGaT Center for Human Genetics Tuebingen
Classification: Benign. Last evaluated: 2022-09-01. Review status: criteria provided, single submitter. Criteria: CeGaT Center For Human Genetics Tuebingen Variant Classification Criteria Version 2. Collection method: clinical testing. Allele origin: germline. Affected: yes. Observed: 2 variant alleles.
Comment: SOCS1: BS1, BS2

NM_003745.2(SOCS1):c.597C>T (p.Val199=)

Genes: SOCS1 (suppressor of cytokine signaling 1; minus strand), LOC130058478 (ATAC-STARR-seq lymphoblastoid silent region 7197; plus strand). Cytogenetic location: 16p13.13.
Variant type: single nucleotide variant.
Coding change: c.597C>T on transcript NM_003745.2 (MANE Select); coding-DNA position 597, C replaced by T.
Protein change: p.Val199=; no amino-acid change (valine 199 retained).
Molecular consequence: synonymous variant.
Genome position (GRCh38, 1-based): chr16:11,254,882, G>A on the plus strand (C>T on the coding strand, the complement: SOCS1 is on the minus strand). VCF-style: chr16-11254882-G-A. GRCh37 (hg19) VCF-style: chr16-11348739-G-A.
Identifiers: ClinVar variation 2646210 (VCV002646210.24), dbSNP rs139221703, ClinGen allele CA7902206.